The following is an entry in ClinVar:

ClinVar aggregate classification (germline): Conflicting classifications of pathogenicity. Review status: criteria provided, conflicting classifications (1 of 4 stars). 2 submissions from 2 submitters: Uncertain significance (1); Likely benign (1). Last evaluated 2023-02-15.

Conditions:
Jeune thoracic dystrophy. Also called: Jeune syndrome; Infantile thoracic dystrophy; Thoracic pelvic phalangeal dystrophy; Jeune's syndrome; Chondroectodermal dysplasia-like syndrome; Short-rib thoracic dysplasia. Identifiers: Orphanet 474, MedGen C0265275, MONDO:0018770.

Allele frequency attached by ClinVar (database versions not stated): gnomAD exomes below 0.00001 and 0.00003; gnomAD 0.00001 and 0.00002; ExAC 0.00002; TOPMed 0.00002; ESP Exome Variant Server 0.00008.
gnomAD v4.1: 40 of 1,602,340 alleles (0.0025%); highest among the groups gnomAD compares: Non-Finnish European, 0.0032%; no homozygotes.

Submissions (2):

Blueprint Genetics
Classification: Likely benign. Last evaluated: 2023-02-15. Review status: criteria provided, single submitter. Criteria: ACMG Guidelines, 2015. Collection method: clinical testing. Allele origin: germline.

Labcorp Genetics (formerly Invitae), Labcorp
Classification: Uncertain significance for Jeune thoracic dystrophy. Last evaluated: 2022-06-20. Review status: criteria provided, single submitter. Criteria: Invitae Variant Classification Sherloc (09022015). Collection method: clinical testing. Allele origin: germline.
Comment: This sequence change falls in intron 3 of the DYNC2H1 gene. It does not directly change the encoded amino acid sequence of the DYNC2H1 protein. It affects a nucleotide within the consensus splice site. This variant is present in population databases (rs368561058, gnomAD 0.002%). This variant has not been reported in the literature in individuals affected with DYNC2H1-related conditions. Variants that disrupt the consensus splice site are a relatively common cause of aberrant splicing (PMID: 17576681, 9536098). Algorithms developed to predict the effect of sequence changes on RNA splicing suggest that this variant is not likely to affect RNA splicing. In summary, the available evidence is currently insufficient to determine the role of this variant in disease. Therefore, it has been classified as a Variant of Uncertain Significance.

Literature cited by the submitters: PubMed 17576681 (cited by Labcorp Genetics (formerly Invitae), Labcorp); PubMed 9536098 (cited by Labcorp Genetics (formerly Invitae), Labcorp).

NM_001377.3(DYNC2H1):c.503-3T>C

Gene: DYNC2H1 (dynein cytoplasmic 2 heavy chain 1; plus strand). Cytogenetic location: 11q22.3.
Variant type: single nucleotide variant.
Coding change: c.503-3T>C on transcript NM_001377.3 (MANE Select); 3 bases into the intron before coding-DNA position 503, T replaced by C.
Molecular consequence: intron variant.
Genome position (GRCh38, 1-based): chr11:103,115,174, T>C. VCF-style: chr11-103115174-T-C. GRCh37 (hg19) VCF-style: chr11-102985903-T-C.
Other names: c.503-3T>C (NM_001080463.2).
Identifiers: ClinVar variation 1423504 (VCV001423504.4), dbSNP rs368561058, ClinGen allele CA6252517.